The following is an entry in ClinVar:

ClinVar aggregate classification (germline): Uncertain significance (1 of 4 stars; one submission).

Submission:

GeneDx
Classification: Uncertain significance. Last evaluated: 2024-02-27. Review status: criteria provided, single submitter. Criteria: GeneDx Variant Classification Process June 2021. Collection method: clinical testing. Allele origin: germline. Affected: yes.
Comment: Not observed at significant frequency in large population cohorts (gnomAD); In silico analysis supports that this missense variant has a deleterious effect on protein structure/function; Has not been previously published as pathogenic or benign to our knowledge

NM_176869.3(PPA2):c.742C>T (p.Pro248Ser)

Gene: PPA2 (inorganic pyrophosphatase 2; minus strand). Cytogenetic location: 4q24.
Variant type: single nucleotide variant.
Coding change: c.742C>T on transcript NM_176869.3 (MANE Select); coding-DNA position 742, C replaced by T.
Protein change: p.Pro248Ser; replaces proline 248 with serine.
Molecular consequence: missense variant.
Genome position (GRCh38, 1-based): chr4:105,399,078, G>A on the plus strand (C>T on the coding strand, the complement: PPA2 is on the minus strand). VCF-style: chr4-105399078-G-A. GRCh37 (hg19) VCF-style: chr4-106320235-G-A.
Other names: c.655C>T, p.Pro219Ser (NM_006903.4); c.436C>T, p.Pro146Ser (NM_176866.2); c.244C>T, p.Pro82Ser (NM_176867.3); short protein forms P146S, P219S, P248S, P82S.
Identifiers: ClinVar variation 3369810 (VCV003369810.1).